The following is an entry in ClinVar:

NM_000553.6(WRN):c.1936T>A (p.Cys646Ser)

Gene: WRN (WRN RecQ like helicase; plus strand). Cytogenetic location: 8p12.
Variant type: single nucleotide variant.
Coding change: c.1936T>A on transcript NM_000553.6 (MANE Select); coding-DNA position 1936, T replaced by A.
Protein change: p.Cys646Ser; replaces cysteine 646 with serine.
Molecular consequence: missense variant.
Genome position (GRCh38, 1-based): chr8:31,096,805, T>A. VCF-style: chr8-31096805-T-A. GRCh37 (hg19) VCF-style: chr8-30954321-T-A.
Other names: short protein forms C646S.
Identifiers: ClinVar variation 2078461 (VCV002078461.4), dbSNP rs1814005115, ClinGen allele CA370929740.

ClinVar aggregate classification (germline): Uncertain significance (1 of 4 stars; one submission).

Conditions:
Werner syndrome (WRN). Identifiers: Orphanet 902, MedGen C0043119, MONDO:0010196, OMIM 277700.

Submission:

Labcorp Genetics (formerly Invitae), Labcorp
Classification: Uncertain significance for Werner syndrome. Last evaluated: 2022-01-11. Review status: criteria provided, single submitter. Criteria: Invitae Variant Classification Sherloc (09022015). Collection method: clinical testing. Allele origin: germline.
Comment: This sequence change replaces cysteine, which is neutral and slightly polar, with serine, which is neutral and polar, at codon 646 of the WRN protein (p.Cys646Ser). This variant is not present in population databases (gnomAD no frequency). This variant has not been reported in the literature in individuals affected with WRN-related conditions. Algorithms developed to predict the effect of missense changes on protein structure and function are either unavailable or do not agree on the potential impact of this missense change (SIFT: "Not Available"; PolyPhen-2: "Probably Damaging"; Align-GVGD: "Not Available"). In summary, the available evidence is currently insufficient to determine the role of this variant in disease. Therefore, it has been classified as a Variant of Uncertain Significance.